The following is an entry in ClinVar:

ClinVar aggregate classification (germline): Uncertain significance (1 of 4 stars; one submission).

Conditions:
Kabuki syndrome 2 (KABUK2). Also called: KDM6A-Related Kabuki Syndrome. Identifiers: Orphanet 2322, MedGen C3275495, MONDO:0010465, OMIM 300867.

Submission:

Labcorp Genetics (formerly Invitae), Labcorp
Classification: Uncertain significance for Kabuki syndrome 2. Last evaluated: 2023-08-07. Review status: criteria provided, single submitter. Criteria: Invitae Variant Classification Sherloc (09022015). Collection method: clinical testing. Allele origin: germline.
Comment: In summary, the available evidence is currently insufficient to determine the role of this variant in disease. Therefore, it has been classified as a Variant of Uncertain Significance. Advanced modeling of protein sequence and biophysical properties (such as structural, functional, and spatial information, amino acid conservation, physicochemical variation, residue mobility, and thermodynamic stability) performed at Invitae indicates that this missense variant is expected to disrupt KDM6A protein function. This variant has not been reported in the literature in individuals affected with KDM6A-related conditions. This variant is not present in population databases (gnomAD no frequency). This sequence change replaces leucine, which is neutral and non-polar, with phenylalanine, which is neutral and non-polar, at codon 983 of the KDM6A protein (p.Leu983Phe).

NM_001291415.2(KDM6A):c.3103C>T (p.Leu1035Phe)

Gene: KDM6A (lysine demethylase 6A; plus strand). Cytogenetic location: Xp11.3.
Variant type: single nucleotide variant.
Coding change: c.3103C>T on transcript NM_001291415.2 (MANE Select); coding-DNA position 3103, C replaced by T.
Protein change: p.Leu1035Phe; replaces leucine 1035 with phenylalanine.
Molecular consequence: missense variant. On other transcripts: non-coding transcript variant (1).
Genome position (GRCh38, 1-based): chrX:45,079,154, C>T. VCF-style: chrX-45079154-C-T. GRCh37 (hg19) VCF-style: chrX-44938399-C-T.
Other names: c.2968C>T, p.Leu990Phe (NM_001291416.2, NM_001419811.1); c.2812C>T, p.Leu938Phe (NM_001291417.2); c.2710C>T, p.Leu904Phe (NM_001291418.2, NM_001419815.1); c.2059C>T, p.Leu687Phe (NM_001291421.2); c.2845C>T, p.Leu949Phe (NM_001410742.1, NM_001419814.1); c.3103C>T, p.Leu1035Phe (NM_001419809.1); c.3001C>T, p.Leu1001Phe (NM_001419810.1, NM_001419813.1); c.2947C>T, p.Leu983Phe (NM_001419812.1, NM_021140.4); short protein forms L1001F, L938F, L990F, L949F, L983F, L1035F, L687F, L904F.
Identifiers: ClinVar variation 2777588 (VCV002777588.3), dbSNP rs2148117916, ClinGen allele CA412800674.